The following is an entry in ClinVar:

ClinVar aggregate classification (germline): Likely pathogenic (1 of 4 stars; one submission).

Conditions:
Marfan syndrome (MFS). Also called: MARFAN SYNDROME, TYPE I; FBN1-Related Marfan Syndrome; Marfan syndrome type 1; Marfan's syndrome; Marfan syndrome, classic. Identifiers: Orphanet 284963, Orphanet 558, MedGen C0024796, MONDO:0007947, OMIM 154700.

Submission:

Laboratory for Molecular Medicine, Mass General Brigham Personalized Medicine
Classification: Likely pathogenic for Marfan syndrome. Last evaluated: 2018-02-07. Review status: criteria provided, single submitter. Criteria: LMM Criteria. Collection method: clinical testing. Allele origin: germline. Inheritance: Autosomal dominant inheritance. Observed: 1 variant allele.
Comment: The p.Cys1138Tyr variant in FBN1 has been reported in an individual with clinica l features of Marfan syndrome (Comeglio 2007) and was absent from large populati on studies. Computational prediction tools and conservation analysis suggest tha t the p.Cys1138Tyr variant may impact the protein. Additional missense variants at this amino acid position (p.Cys1138Phe, p.Cys1138Arg, p.Cys1138Gly, and p.Cys 1138Ser) have been reported in association with Marfan syndrome or other FBN1-re lated disorders (Stheneur 2009, Lerner-Ellis 2014, UMD-FBN1 database; Collod-Ber oud 2003), suggesting that changes at this position in not tolerated. Additiona lly, the p.Cys1138Tyr variant affects a cysteine residue within a calcium-bindin g EGF-like domain of the FBN1 gene, which may affect disulfide bonding and is pr edicted to alter the structure and function of the protein. Cysteine substitutio ns in the calcium-binding EGF-like domains represent the majority of pathogenic missense changes associated with Marfan syndrome (Vollbrandt 2004). In summary, although additional studies are required to fully establish its clinical signifi cance, the p.Cys1138Tyr variant is likely pathogenic. ACMG/AMP Criteria applied (Richards 2015): PS4-Supporting, PM1, PM2, PP3.

Literature cited by the submitters: PubMed 17657824; PubMed 19293843; PubMed 24793577; PubMed 15161917; PubMed 12938084.

NM_000138.5(FBN1):c.3413G>A (p.Cys1138Tyr)

Gene: FBN1 (fibrillin 1; minus strand). Cytogenetic location: 15q21.1.
Variant type: single nucleotide variant.
Coding change: c.3413G>A on transcript NM_000138.5 (MANE Select); coding-DNA position 3413, G replaced by A.
Protein change: p.Cys1138Tyr; replaces cysteine 1138 with tyrosine.
Molecular consequence: missense variant.
Genome position (GRCh38, 1-based): chr15:48,487,362, C>T on the plus strand (G>A on the coding strand, the complement: FBN1 is on the minus strand). VCF-style: chr15-48487362-C-T. GRCh37 (hg19) VCF-style: chr15-48779559-C-T.
Other names: short protein forms C1138Y.
Identifiers: ClinVar variation 667006 (VCV000667006.4), dbSNP rs397515791, ClinGen allele CA392326393.